The following is an entry in ClinVar:

NM_000843.4(GRM6):c.505-9G>A

Gene: GRM6 (glutamate metabotropic receptor 6; minus strand). Cytogenetic location: 5q35.3.
Variant type: single nucleotide variant.
Coding change: c.505-9G>A on transcript NM_000843.4 (MANE Select); 9 bases into the intron before coding-DNA position 505, G replaced by A.
Molecular consequence: intron variant.
Genome position (GRCh38, 1-based): chr5:178,992,092, C>T on the plus strand (G>A on the coding strand, the complement: GRM6 is on the minus strand). VCF-style: chr5-178992092-C-T. GRCh37 (hg19) VCF-style: chr5-178419093-C-T.
Other names: c.505-9G>A (NM_000843.3).
Identifiers: ClinVar variation 1154464 (VCV001154464.10), dbSNP rs377001985, ClinGen allele CA3594506.

ClinVar aggregate classification (germline): Likely benign. Review status: criteria provided, single submitter (1 of 4 stars). 2 submissions from 2 submitters: Likely benign (1). 1 of the submissions does not count toward it. Last evaluated 2025-12-24.

Conditions:
GRM6-related disorder. Also called: GRM6-related condition.

Allele frequency attached by ClinVar (database versions not stated): gnomAD exomes below 0.00001 and 0.00001; ExAC 0.00001; gnomAD 0.00005 and 0.00006; TOPMed 0.00006; ESP Exome Variant Server 0.00008.
gnomAD v4.1: 13 of 1,601,696 alleles (0.00081%); highest among the groups gnomAD compares: African/African-American, 0.017%; no homozygotes.

Submissions (2):

Labcorp Genetics (formerly Invitae), Labcorp
Classification: Likely benign. Last evaluated: 2025-12-24. Review status: criteria provided, single submitter. Criteria: Invitae Variant Classification Sherloc (09022015). Collection method: clinical testing. Allele origin: germline.

PreventionGenetics, part of Exact Sciences
Classification: Likely benign for GRM6-related condition. Last evaluated: 2024-07-23. Review status: no assertion criteria provided. Collection method: clinical testing. Allele origin: germline. Not counted in ClinVar's aggregate classification.
Comment: This variant is classified as likely benign based on ACMG/AMP sequence variant interpretation guidelines (Richards et al. 2015 PMID: 25741868, with internal and published modifications).